The following is an entry in ClinVar:

ClinVar aggregate classification (germline): Uncertain significance. Review status: criteria provided, multiple submitters, no conflicts (2 of 4 stars). 2 submissions from 2 submitters: Uncertain significance (2). Last evaluated 2025-04-02.

Conditions:
Hereditary cancer-predisposing syndrome. Also called: Neoplastic Syndromes, Hereditary; Tumor predisposition; Hereditary Cancer Syndrome; Hereditary neoplastic syndrome. Identifiers: Orphanet 140162, MedGen C0027672, MeSH D009386, MONDO:0015356.
Familial adenomatous polyposis 1 (FAP1). Also called: FAMILIAL ADENOMATOUS POLYPOSIS 1, ATTENUATED; POLYPOSIS, ADENOMATOUS INTESTINAL. Identifiers: MedGen C2713442, MONDO:0021056, OMIM 175100. Disease mechanism: loss of function.

gnomAD v4.1: 1 of 1,614,000 alleles (0.000062%); no homozygotes.

Submissions (2):

Labcorp Genetics (formerly Invitae), Labcorp
Classification: Uncertain significance for Familial adenomatous polyposis 1. Last evaluated: 2025-04-02. Review status: criteria provided, single submitter. Criteria: Invitae Variant Classification Sherloc (09022015). Collection method: clinical testing. Allele origin: germline.
Comment: This sequence change replaces threonine, which is neutral and polar, with isoleucine, which is neutral and non-polar, at codon 619 of the APC protein (p.Thr619Ile). This variant is not present in population databases (gnomAD no frequency). This variant has not been reported in the literature in individuals affected with APC-related conditions. ClinVar contains an entry for this variant (Variation ID: 1781410). Invitae Evidence Modeling of protein sequence and biophysical properties (such as structural, functional, and spatial information, amino acid conservation, physicochemical variation, residue mobility, and thermodynamic stability) indicates that this missense variant is not expected to disrupt APC protein function with a negative predictive value of 95%. In summary, the available evidence is currently insufficient to determine the role of this variant in disease. Therefore, it has been classified as a Variant of Uncertain Significance.

Ambry Genetics
Classification: Uncertain significance for Hereditary cancer-predisposing syndrome. Last evaluated: 2021-02-09. Review status: criteria provided, single submitter. Criteria: Ambry Variant Classification Scheme 2023. Collection method: clinical testing. Allele origin: germline.
Comment: The p.T619I variant (also known as c.1856C>T), located in coding exon 14 of the APC gene, results from a C to T substitution at nucleotide position 1856. The threonine at codon 619 is replaced by isoleucine, an amino acid with similar properties. This amino acid position is highly conserved in available vertebrate species. In addition, in silico predictors for this gene do not accurately predict pathogenicity. Since supporting evidence is limited at this time, the clinical significance of this alteration remains unclear.

NM_000038.6(APC):c.1856C>T (p.Thr619Ile)

Gene: APC (APC regulator of Wnt signaling pathway; plus strand). Cytogenetic location: 5q22.2.
Variant type: single nucleotide variant.
Coding change: c.1856C>T on transcript NM_000038.6 (MANE Select); coding-DNA position 1856, C replaced by T.
Protein change: p.Thr619Ile; replaces threonine 619 with isoleucine.
Molecular consequence: missense variant.
Genome position (GRCh38, 1-based): chr5:112,835,063, C>T. VCF-style: chr5-112835063-C-T. GRCh37 (hg19) VCF-style: chr5-112170760-C-T.
Other names: c.1856C>T, p.Thr619Ile (NM_001127510.3, NM_001354895.2, NM_001407450.1); c.1802C>T, p.Thr601Ile (NM_001127511.3); c.1910C>T, p.Thr637Ile (NM_001354896.2, NM_001407447.1, NM_001407448.1 and 1 more transcripts); c.1886C>T, p.Thr629Ile (NM_001354897.2); c.1781C>T, p.Thr594Ile (NM_001354898.2); c.1772C>T, p.Thr591Ile (NM_001354899.2); c.1733C>T, p.Thr578Ile (NM_001354900.2); c.1679C>T, p.Thr560Ile (NM_001354901.2, NM_001407453.1); and 11 more; short protein forms T336I, T528I, T601I, T647I, T490I, T591I, T594I, T619I.
Identifiers: ClinVar variation 1781410 (VCV001781410.5), dbSNP rs1197473008, ClinGen allele CA16025383.
Genomic context (GRCh38, chr5:112,835,063, plus strand): 5'-GCACTGAGAATAAAGCTGATATATGTGCTGTAGATGGTGCACTTGCATTTTTGGTTGGCA[C>T]TCTTACTTACCGGAGCCAGACAAACACTTTAGCCATTATTGAAAGTGGAGGTGGGATATT-3'
Protein context (NP_000029.2, residues 609-629): VDGALAFLVG[Thr619Ile]LTYRSQTNTL